The following is an entry in ClinVar:

NM_000059.4(BRCA2):c.6663C>G (p.Asn2221Lys)

Gene: BRCA2 (BRCA2 DNA repair associated; plus strand). Cytogenetic location: 13q13.1.
Variant type: single nucleotide variant.
Coding change: c.6663C>G on transcript NM_000059.4 (MANE Select); coding-DNA position 6663, C replaced by G.
Protein change: p.Asn2221Lys; replaces asparagine 2221 with lysine.
Molecular consequence: missense variant.
Genome position (GRCh38, 1-based): chr13:32,341,018, C>G. VCF-style: chr13-32341018-C-G. GRCh37 (hg19) VCF-style: chr13-32915155-C-G.
Other names: c.6663C>G, p.Asn2221Lys (NM_001406719.1, NM_001406720.1); short protein forms N2221K.
Identifiers: ClinVar variation 2445383 (VCV002445383.3), dbSNP rs2137529570, ClinGen allele CA387790463.

ClinVar aggregate classification (germline): Conflicting classifications of pathogenicity. Review status: criteria provided, conflicting classifications (1 of 4 stars). 2 submissions from 2 submitters: Likely pathogenic (1); Uncertain significance (1). Last evaluated 2025-09-24.

Conditions:
Hereditary cancer-predisposing syndrome. Also called: Neoplastic Syndromes, Hereditary; Hereditary Cancer Syndrome; Tumor predisposition; Hereditary neoplastic syndrome. Identifiers: Orphanet 140162, MedGen C0027672, MeSH D009386, MONDO:0015356.
Ovarian cancer. Also called: OVARIAN CANCER, SOMATIC. Identifiers: Orphanet 213500, MedGen C1140680, MONDO:0008170, OMIM 167000.

Submissions (2):

Ambry Genetics
Classification: Uncertain significance for Hereditary cancer-predisposing syndrome. Last evaluated: 2025-09-24. Review status: criteria provided, single submitter. Criteria: Ambry Variant Classification Scheme 2023. Collection method: clinical testing. Allele origin: germline.
Comment: The p.N2221K variant (also known as c.6663C>G), located in coding exon 10 of the BRCA2 gene, results from a C to G substitution at nucleotide position 6663. The asparagine at codon 2221 is replaced by lysine, an amino acid with similar properties. This amino acid position is not well conserved in available vertebrate species. In addition, this alteration is predicted to be tolerated by in silico analysis. Based on the available evidence, the clinical significance of this variant remains unclear.

Laboratory of Molecular Epidemiology of Birth Defects, West China Second University Hospital, Sichuan University
Classification: Likely pathogenic for Ovarian cancer. Last evaluated: 2022-01-01. Review status: criteria provided, single submitter. Criteria: ACMG Guidelines, 2015. Collection method: clinical testing. Allele origin: germline. Affected: yes.